The following is an entry in ClinVar:

NM_001142459.2(ASB10):c.451G>A (p.Ala151Thr)

Gene: ASB10 (ankyrin repeat and SOCS box containing 10; minus strand). Cytogenetic location: 7q36.1.
Variant type: single nucleotide variant.
Coding change: c.451G>A on transcript NM_001142459.2 (MANE Select); coding-DNA position 451, G replaced by A.
Protein change: p.Ala151Thr; replaces alanine 151 with threonine.
Molecular consequence: missense variant.
Genome position (GRCh38, 1-based): chr7:151,186,525, C>T on the plus strand (G>A on the coding strand, the complement: ASB10 is on the minus strand). VCF-style: chr7-151186525-C-T. GRCh37 (hg19) VCF-style: chr7-150883612-C-T.
Other names: c.451G>A, p.Ala151Thr (NM_001142460.1); c.406G>A, p.Ala136Thr (NM_080871.4); short protein forms A136T, A151T.
Identifiers: ClinVar variation 3017846 (VCV003017846.3), dbSNP rs370599172, ClinGen allele CA4573877.

ClinVar aggregate classification (germline): Uncertain significance (1 of 4 stars; one submission).

Allele frequency attached by ClinVar (database versions not stated): TOPMed 0.00005; gnomAD 0.00003; ExAC 0.00005; ESP Exome Variant Server 0.00008; gnomAD exomes 0.00002.

Submission:

Labcorp Genetics (formerly Invitae), Labcorp
Classification: Uncertain significance. Last evaluated: 2025-06-12. Review status: criteria provided, single submitter. Criteria: Invitae Variant Classification Sherloc (09022015). Collection method: clinical testing. Allele origin: germline.
Comment: This sequence change replaces alanine, which is neutral and non-polar, with threonine, which is neutral and polar, at codon 151 of the ASB10 protein (p.Ala151Thr). This variant is present in population databases (rs370599172, gnomAD 0.005%). This missense change has been observed in individual(s) with open angle glaucoma (PMID: 22798626). ClinVar contains an entry for this variant (Variation ID: 3017846). An algorithm developed to predict the effect of missense changes on protein structure and function (PolyPhen-2) suggests that this variant is likely to be disruptive. In summary, the available evidence is currently insufficient to determine the role of this variant in disease. Therefore, it has been classified as a Variant of Uncertain Significance.

Literature cited by the submitters: PubMed 22798626.